The following is an entry in ClinVar:

NM_004380.3(CREBBP):c.6811C>T (p.Leu2271Phe)

Gene: CREBBP (CREB binding lysine acetyltransferase; minus strand). Cytogenetic location: 16p13.3.
Variant type: single nucleotide variant.
Coding change: c.6811C>T on transcript NM_004380.3 (MANE Select); coding-DNA position 6811, C replaced by T.
Protein change: p.Leu2271Phe; replaces leucine 2271 with phenylalanine.
Molecular consequence: missense variant.
Genome position (GRCh38, 1-based): chr16:3,728,236, G>A on the plus strand (C>T on the coding strand, the complement: CREBBP is on the minus strand). VCF-style: chr16-3728236-G-A. GRCh37 (hg19) VCF-style: chr16-3778237-G-A.
Other names: c.6697C>T, p.Leu2233Phe (NM_001079846.1); short protein forms L2233F, L2271F.
Identifiers: ClinVar variation 4879631 (VCV004879631.1).
Genomic context (GRCh38, chr16:3,728,236, plus strand): 5'-GGGCTTGCTGGATGTTGGGGGTGCTGTCTGCCCCCAGCCCCGGCTGCCCCATCTGGCCAA[G>A]CTGTCCCATCTGAGCCGCCATCTGGCCCATGGAGCTGCCCTGGAGGGGGAGATGCTGCTG-3'
Protein context (NP_004371.2, residues 2261-2281): MGQMAAQMGQ[Leu2271Phe]GQMGQPGLGA

ClinVar aggregate classification (germline): Uncertain significance (1 of 4 stars; one submission).

Conditions:
Menke-Hennekam syndrome 1 (MKHK1). Identifiers: MedGen C5193034, MONDO:0020763, OMIM 618332.

gnomAD v4.1: 1 of 1,613,216 alleles (0.000062%); highest among the groups gnomAD compares: East Asian, 0.0022%; no homozygotes.

Submission:

Victorian Clinical Genetics Services, Murdoch Childrens Research Institute
Classification: Uncertain significance for Menke-Hennekam syndrome 1. Last evaluated: 2026-07-20. Review status: criteria provided, single submitter. Criteria: ACMG Guidelines, 2015. Collection method: clinical testing. Allele origin: germline. Affected: no.
Comment: This variant is classified as VUS-3B. Evidence in support of pathogenic classification: This variant is present in gnomAD <0.001 for a dominant condition (v4: 1 heterozygote(s), 0 homozygote(s)); Additional information: This variant is predicted to result in a missense amino acid change from Leu to Phe; This variant is heterozygous; This gene is associated with autosomal dominant disease; Alternative amino acid change(s) at the same position are present in gnomAD (highest allele count: v4: 6 heterozygote(s), 0 homozygote(s)); This variant has no previous evidence of pathogenicity; No published evidence of segregation with disease has been identified for this variant; No published functional evidence has been identified for this variant; Another variant(s) comparable to the one identified in this case has inconclusive previous evidence for pathogenicity. p.(Leu2271Val) has been classified as VUS by a clinical laboratory in ClinVar; Variant is not located in an established domain, motif, hotspot or informative constraint region; Missense variant with inconclusive in silico prediction(s) and/or uninformative conservation; Loss of function is a known mechanism of disease in this gene and is associated with Menke-Hennekam syndrome 1 (MIM#618332) and Rubinstein-Taybi syndrome 1 (MIM#180849).